The following is an entry in ClinVar:

NM_001267550.2(TTN):c.98074del (p.Thr32692fs)

Genes: TTN (titin; minus strand), TTN-AS1 (TTN antisense RNA 1; plus strand). Cytogenetic location: 2q31.2.
Variant type: Deletion.
Coding change: c.98074del on transcript NM_001267550.2 (MANE Select); coding-DNA position 98074, one base deleted (A; older notation c.98074delA).
Protein change: p.Thr32692fs; shifts the reading frame from threonine 32692.
Molecular consequence: frameshift variant.
Genome position (GRCh38, 1-based): chr2:178,540,092, T deleted on the plus strand (A on the coding strand, the reverse complement: TTN is on the minus strand); the first of 2 consecutive T bases (chr2:178,540,092-178,540,093); deleting either gives the same sequence. VCF-style (leftmost placement, unchanged base first): chr2-178540091-GT-G. GRCh37 (hg19) VCF-style: chr2-179404818-GT-G.
Other names: c.93151del, p.Thr31051fs (NM_001256850.1); c.70879del, p.Thr23627fs (NM_003319.4); c.90370del, p.Thr30124fs (NM_133378.4); c.71254del, p.Thr23752fs (NM_133432.3); c.71455del, p.Thr23819fs (NM_133437.4); c.70879delA (NM_003319.4); short protein forms T23819fs, T31051fs, T23752fs, T32692fs, T23627fs, T30124fs.
Identifiers: ClinVar variation 1757061 (VCV001757061.2), dbSNP rs2468791271, ClinGen allele CA2580064758.

ClinVar aggregate classification (germline): Likely pathogenic (1 of 4 stars; one submission).

Conditions:
Cardiovascular phenotype. Identifiers: MedGen CN230736.

Submission:

Ambry Genetics
Classification: Likely pathogenic for Cardiovascular phenotype. Last evaluated: 2021-08-10. Review status: criteria provided, single submitter. Criteria: Ambry Variant Classification Scheme 2023. Collection method: clinical testing. Allele origin: germline.
Comment: The c.70879delA variant, located in coding exon 178 of the TTN gene, results from a deletion of one nucleotide at nucleotide position 70879, causing a translational frameshift with a predicted alternate stop codon (p.T23627Qfs*25). This exon is located in the A-band region of the N2-B isoform of the titin protein and is constitutively expressed in TTN transcripts (percent spliced in or PSI 100%). This alteration is expected to result in loss of function by premature protein truncation or nonsense-mediated mRNA decay. While truncating variants in TTN are present in 1-3% of the general population, truncating variants in the A-band are the most common cause of dilated cardiomyopathy (DCM) (Herman DS et al. N. Engl. J. Med., 2012 Feb;366:619-28; Roberts AM et al. Sci Transl Med, 2015 Jan;7:270ra6). TTN truncating variants encoded in constitutive exons (PSI >90%) have been found to be significantly associated with DCM regardless of their position in titin (Schafer S et al. Nat. Genet., 2017 01;49:46-53). As such, this alteration is classified as likely pathogenic.